The following is an entry in ClinVar:

NM_000095.3(COMP):c.1082A>T (p.Asp361Val)

Gene: COMP (cartilage oligomeric matrix protein; minus strand). Cytogenetic location: 19p13.11.
Variant type: single nucleotide variant.
Coding change: c.1082A>T on transcript NM_000095.3 (MANE Select); coding-DNA position 1082, A replaced by T.
Protein change: p.Asp361Val; replaces aspartic acid 361 with valine.
Molecular consequence: missense variant.
Genome position (GRCh38, 1-based): chr19:18,787,544, T>A on the plus strand (A>T on the coding strand, the complement: COMP is on the minus strand). VCF-style: chr19-18787544-T-A. GRCh37 (hg19) VCF-style: chr19-18898353-T-A.
Other names: short protein forms D361V.
Identifiers: ClinVar variation 4710528 (VCV004710528.1).

ClinVar aggregate classification (germline): Pathogenic (1 of 4 stars; one submission).

Submission:

Labcorp Genetics (formerly Invitae), Labcorp
Classification: Pathogenic. Last evaluated: 2025-10-19. Review status: criteria provided, single submitter. Criteria: Invitae Variant Classification Sherloc (09022015). Collection method: clinical testing. Allele origin: germline.
Comment: This sequence change replaces aspartic acid, which is acidic and polar, with valine, which is neutral and non-polar, at codon 361 of the COMP protein (p.Asp361Val). This variant is not present in population databases (gnomAD no frequency). This missense change has been observed in individual(s) with COMP-related conditions (PMID: 9921895). It has also been observed to segregate with disease in related individuals. Invitae Evidence Modeling of protein sequence and biophysical properties (such as structural, functional, and spatial information, amino acid conservation, physicochemical variation, residue mobility, and thermodynamic stability) indicates that this missense variant is expected to disrupt COMP protein function with a positive predictive value of 80%. This variant disrupts the p.Asp361 amino acid residue in COMP. Other variant(s) that disrupt this residue have been determined to be pathogenic (PMID: 9452026). This suggests that this residue is clinically significant, and that variants that disrupt this residue are likely to be disease-causing. For these reasons, this variant has been classified as Pathogenic.

Literature cited by the submitters: PubMed 9921895; PubMed 9452026.